The following is an entry in ClinVar:

NM_001042424.3(NSD2):c.3295GAG[2] (p.Glu1101del)

Gene: NSD2 (nuclear receptor binding SET domain protein 2; plus strand). Cytogenetic location: 4p16.3.
Variant type: Microsatellite.
Coding change: c.3295GAG[2] on transcript NM_001042424.3 (MANE Select); two copies in a row of the 3-base unit GAG starting at c.3295; the reference has three copies in a row; one copy, 3 bases deleted.
Protein change: p.Glu1101del; deletes glutamic acid 1101.
Molecular consequence: inframe deletion.
Genome position (GRCh38, 1-based): chr4:1,961,080-1,961,082, GAG deleted; deleting any 3 consecutive bases within chr4:1,961,074-1,961,082 gives the same sequence; the position shown is the placement nearest the transcript's 3' end. VCF-style (leftmost placement, unchanged base first): chr4-1961073-CGAG-C. GRCh37 (hg19) VCF-style: chr4-1962800-CGAG-C.
Other names: c.3295GAG[2], p.Glu1101del (NM_133330.3, NM_133331.3, NM_133335.4); short protein forms E1101del.
Identifiers: ClinVar variation 2446542 (VCV002446542.1), dbSNP rs2474669849, ClinGen allele CA2580616059.
Genomic context (GRCh38, chr4:1,961,073, plus strand): 5'-GCCACATGCTTGTGATTTCCAGGGAGAATTTGTTAACGAGTACGTTGGGGAGCTGATCGA[CGAG>C]GAGGAGTGCATGGCGAGAATCAAGCACGCACACGAGAACGACATCACCCACTTCTACATG-3'

ClinVar aggregate classification (germline): Pathogenic (1 of 4 stars; one submission).

Submission:

GeneDx
Classification: Pathogenic. Last evaluated: 2023-03-26. Review status: criteria provided, single submitter. Criteria: GeneDx Variant Classification Process June 2021. Collection method: clinical testing. Allele origin: germline. Affected: yes.
Comment: In-frame deletion of 1 amino acids in a non-repeat region; Not observed at significant frequency in large population cohorts (gnomAD); In silico analysis supports a deleterious effect on protein structure/function; Has not been previously published as pathogenic or benign to our knowledge